The following is an entry in ClinVar:

ClinVar aggregate classification (germline): Benign/Likely benign. Review status: criteria provided, multiple submitters, no conflicts (2 of 4 stars). 2 submissions from 2 submitters: Benign (1); Likely benign (1). Last evaluated 2026-01-31.

Allele frequency attached by ClinVar (database versions not stated): 1000 Genomes Project 0.00260; 1000 Genomes Project 30x 0.00265; ESP Exome Variant Server 0.00369.
gnomAD v4.1: 944 of 1,614,134 alleles (0.058%); highest among the groups gnomAD compares: African/African-American, 1.1%; 4 homozygotes.

Submissions (2):

Labcorp Genetics (formerly Invitae), Labcorp
Classification: Benign. Last evaluated: 2026-01-31. Review status: criteria provided, single submitter. Criteria: Invitae Variant Classification Sherloc (09022015). Collection method: clinical testing. Allele origin: germline.

CeGaT Center for Human Genetics Tuebingen
Classification: Likely benign. Last evaluated: 2025-12-01. Review status: criteria provided, single submitter. Criteria: CeGaT Center For Human Genetics Tuebingen Variant Classification Criteria Version 2. Collection method: clinical testing. Allele origin: germline. Affected: yes. Observed: 1 variant allele.
Comment: PODXL: BP4, BP7, BS1

NM_001018111.3(PODXL):c.1221C>A (p.Thr407=)

Gene: PODXL (podocalyxin like; minus strand). Cytogenetic location: 7q32.3.
Variant type: single nucleotide variant.
Coding change: c.1221C>A on transcript NM_001018111.3 (MANE Select); coding-DNA position 1221, C replaced by A.
Protein change: p.Thr407=; no amino-acid change (threonine 407 retained).
Molecular consequence: synonymous variant.
Genome position (GRCh38, 1-based): chr7:131,506,607, G>T on the plus strand (C>A on the coding strand, the complement: PODXL is on the minus strand). VCF-style: chr7-131506607-G-T. GRCh37 (hg19) VCF-style: chr7-131191366-G-T.
Other names: c.1125C>A, p.Thr375= (NM_005397.4).
Identifiers: ClinVar variation 1626152 (VCV001626152.13), dbSNP rs113941139, ClinGen allele CA4488444.